The following is an entry in ClinVar:

NM_001042472.3(ABHD12):c.929T>C (p.Ile310Thr)

Gene: ABHD12 (abhydrolase domain containing 12, lysophospholipase; minus strand). Cytogenetic location: 20p11.21.
Variant type: single nucleotide variant.
Coding change: c.929T>C on transcript NM_001042472.3 (MANE Select); coding-DNA position 929, T replaced by C.
Protein change: p.Ile310Thr; replaces isoleucine 310 with threonine.
Molecular consequence: missense variant.
Genome position (GRCh38, 1-based): chr20:25,306,854, A>G on the plus strand (T>C on the coding strand, the complement: ABHD12 is on the minus strand). VCF-style: chr20-25306854-A-G. GRCh37 (hg19) VCF-style: chr20-25287490-A-G.
Other names: c.929T>C, p.Ile310Thr (NM_015600.5); short protein forms I310T.
Identifiers: ClinVar variation 837642 (VCV000837642.7), dbSNP rs2088752258, ClinGen allele CA408455625.

ClinVar aggregate classification (germline): Uncertain significance (1 of 4 stars; one submission).

Allele frequency attached by ClinVar (database versions not stated): gnomAD exomes below 0.00001.

Submission:

Labcorp Genetics (formerly Invitae), Labcorp
Classification: Uncertain significance. Last evaluated: 2022-06-14. Review status: criteria provided, single submitter. Criteria: Invitae Variant Classification Sherloc (09022015). Collection method: clinical testing. Allele origin: germline.
Comment: This sequence change replaces isoleucine, which is neutral and non-polar, with threonine, which is neutral and polar, at codon 310 of the ABHD12 protein (p.Ile310Thr). This variant is not present in population databases (gnomAD no frequency). This variant has not been reported in the literature in individuals affected with ABHD12-related conditions. ClinVar contains an entry for this variant (Variation ID: 837642). Algorithms developed to predict the effect of missense changes on protein structure and function (SIFT, PolyPhen-2, Align-GVGD) all suggest that this variant is likely to be disruptive. In summary, the available evidence is currently insufficient to determine the role of this variant in disease. Therefore, it has been classified as a Variant of Uncertain Significance.